The following is an entry in ClinVar:

ClinVar aggregate classification (germline): Uncertain significance (1 of 4 stars; one submission).

Conditions:
Nephronophthisis 14 (NPHP14). Identifiers: Orphanet 2318, MedGen C3539071, MONDO:0013916, OMIM 614844.

Submission:

Labcorp Genetics (formerly Invitae), Labcorp
Classification: Uncertain significance for Nephronophthisis 14. Last evaluated: 2020-01-21. Review status: criteria provided, single submitter. Criteria: Invitae Variant Classification Sherloc (09022015). Collection method: clinical testing. Allele origin: germline.
Comment: This sequence change creates a premature translational stop signal (p.Gly1102Valfs*2) in the ZNF423 gene. It is expected to result in an absent or disrupted protein product. This variant is not present in population databases (ExAC no frequency). In summary, the available evidence is currently insufficient to determine the role of this variant in disease. Therefore, it has been classified as a Variant of Uncertain Significance. The current clinical and genetic evidence is not sufficient to establish whether loss-of-function variants in ZNF423 cause disease. This variant has not been reported in the literature in individuals with ZNF423-related conditions.

NM_001379286.1(ZNF423):c.3329_3408del (p.Gly1110fs)

Gene: ZNF423 (zinc finger protein 423; minus strand). Cytogenetic location: 16q12.1.
Variant type: Deletion.
Coding change: c.3329_3408del on transcript NM_001379286.1 (MANE Select); coding-DNA positions 3329 to 3408, 80 bases deleted.
Protein change: p.Gly1110fs; shifts the reading frame from glycine 1110.
Molecular consequence: frameshift variant.
Genome position (GRCh38, 1-based): chr16:49,635,768-49,635,847, 80 bases deleted. GRCh37 (hg19): chr16:49,669,680-49,669,759.
Other names: c.3125_3204del, p.Gly1042fs (NM_001271620.2); c.2954_3033del, p.Gly985fs (NM_001330533.2); c.3305_3384del, p.Gly1102fs (NM_015069.5); short protein forms G1042fs, G1102fs, G1110fs, G985fs.
Identifiers: ClinVar variation 1055022 (VCV001055022.7), dbSNP rs2151880694, ClinGen allele CA2499223534.